The following is an entry in ClinVar:

ClinVar aggregate classification (germline): Likely benign. Review status: criteria provided, single submitter (1 of 4 stars). 2 submissions from 2 submitters: Likely benign (1). 1 of the submissions does not count toward it. Last evaluated 2025-02-02.

Conditions:
PKD1L1-related disorder. Also called: PKD1L1-related condition.

Allele frequency attached by ClinVar (database versions not stated): gnomAD 0.00009 and 0.00015; gnomAD exomes 0.00009 and 0.00033; ExAC 0.00027; TOPMed 0.00029; 1000 Genomes Project 0.00060; 1000 Genomes Project 30x 0.00062.
gnomAD v4.1: 159 of 1,611,458 alleles (0.0099%); highest among the groups gnomAD compares: East Asian, 0.32%; no homozygotes.

Submissions (2):

Labcorp Genetics (formerly Invitae), Labcorp
Classification: Likely benign. Last evaluated: 2025-02-02. Review status: criteria provided, single submitter. Criteria: Invitae Variant Classification Sherloc (09022015). Collection method: clinical testing. Allele origin: germline.

PreventionGenetics, part of Exact Sciences
Classification: Likely benign for PKD1L1-related condition. Last evaluated: 2024-04-26. Review status: no assertion criteria provided. Collection method: clinical testing. Allele origin: germline. Not counted in ClinVar's aggregate classification.
Comment: This variant is classified as likely benign based on ACMG/AMP sequence variant interpretation guidelines (Richards et al. 2015 PMID: 25741868, with internal and published modifications).

NM_138295.5(PKD1L1):c.1237T>C (p.Tyr413His)

Gene: PKD1L1 (polycystin 1 like 1, transient receptor potential channel interacting; minus strand). Cytogenetic location: 7p12.3.
Variant type: single nucleotide variant.
Coding change: c.1237T>C on transcript NM_138295.5 (MANE Select); coding-DNA position 1237, T replaced by C.
Protein change: p.Tyr413His; replaces tyrosine 413 with histidine.
Molecular consequence: missense variant.
Genome position (GRCh38, 1-based): chr7:47,908,242, A>G on the plus strand (T>C on the coding strand, the complement: PKD1L1 is on the minus strand). VCF-style: chr7-47908242-A-G. GRCh37 (hg19) VCF-style: chr7-47947839-A-G.
Other names: short protein forms Y413H.
Identifiers: ClinVar variation 756171 (VCV000756171.6), dbSNP rs200121935, ClinGen allele CA4254115.